The following is an entry in ClinVar:

ClinVar aggregate classification (germline): Uncertain significance. Review status: criteria provided, multiple submitters, no conflicts (2 of 4 stars). 2 submissions from 2 submitters: Uncertain significance (2). Last evaluated 2025-02-16.

Conditions:
Early-infantile DEE. Also called: Early infantile epileptic encephalopathy; Ohtahara syndrome; Early infantile epileptic encephalopathy with suppression bursts. Identifiers: Orphanet 1934, MedGen C0393706, MONDO:0800491.

Submissions (2):

Laboratory of Genetics, Children's Clinical University Hospital Latvia
Classification: Uncertain significance. Last evaluated: 2025-02-16. Review status: criteria provided, single submitter. Criteria: ACMG Guidelines, 2015. Collection method: clinical testing. Allele origin: germline. Affected: yes.

Labcorp Genetics (formerly Invitae), Labcorp
Classification: Uncertain significance for Early-infantile DEE. Last evaluated: 2024-11-05. Review status: criteria provided, single submitter. Criteria: Invitae Variant Classification Sherloc (09022015). Collection method: clinical testing. Allele origin: germline.
Comment: This sequence change replaces valine, which is neutral and non-polar, with methionine, which is neutral and non-polar, at codon 1777 of the SCN1A protein (p.Val1777Met). This variant is not present in population databases (gnomAD no frequency). This variant has not been reported in the literature in individuals affected with SCN1A-related conditions. ClinVar contains an entry for this variant (Variation ID: 2016626). Invitae Evidence Modeling of protein sequence and biophysical properties (such as structural, functional, and spatial information, amino acid conservation, physicochemical variation, residue mobility, and thermodynamic stability) indicates that this missense variant is expected to disrupt SCN1A protein function with a positive predictive value of 95%. In summary, the available evidence is currently insufficient to determine the role of this variant in disease. Therefore, it has been classified as a Variant of Uncertain Significance.

NM_001165963.4(SCN1A):c.5329G>A (p.Val1777Met)

Genes: SCN1A (sodium voltage-gated channel alpha subunit 1; minus strand), LOC102724058 (uncharacterized LOC102724058; plus strand). Cytogenetic location: 2q24.3.
Variant type: single nucleotide variant.
Coding change: c.5329G>A on transcript NM_001165963.4 (MANE Select); coding-DNA position 5329, G replaced by A.
Protein change: p.Val1777Met; replaces valine 1777 with methionine.
Molecular consequence: missense variant. On other transcripts: non-coding transcript variant (1).
Genome position (GRCh38, 1-based): chr2:165,991,946, C>T on the plus strand (G>A on the coding strand, the complement: SCN1A is on the minus strand). VCF-style: chr2-165991946-C-T. GRCh37 (hg19) VCF-style: chr2-166848456-C-T.
Other names: c.5245G>A, p.Val1749Met (NM_001165964.3, NM_001353957.2, NM_001353958.2); c.5329G>A, p.Val1777Met (NM_001202435.3, NM_001353948.2); c.5296G>A, p.Val1766Met (NM_001353949.2, NM_001353950.2, NM_001353951.2 and 2 more transcripts); c.5293G>A, p.Val1765Met (NM_001353954.2, NM_001353955.2); c.5242G>A, p.Val1748Met (NM_001353960.2); c.2887G>A, p.Val963Met (NM_001353961.2); short protein forms V1749M, V1777M, V1766M, V963M, V1765M, V1748M.
Identifiers: ClinVar variation 2016626 (VCV002016626.5), dbSNP rs2468333510, ClinGen allele CA349068156.